The following is an entry in ClinVar:

NM_024577.4(SH3TC2):c.1517A>G (p.Glu506Gly)

Gene: SH3TC2 (SH3 domain and tetratricopeptide repeats 2; minus strand). Cytogenetic location: 5q32.
Variant type: single nucleotide variant.
Coding change: c.1517A>G on transcript NM_024577.4 (MANE Select); coding-DNA position 1517, A replaced by G.
Protein change: p.Glu506Gly; replaces glutamic acid 506 with glycine.
Molecular consequence: missense variant.
Genome position (GRCh38, 1-based): chr5:149,028,215, T>C on the plus strand (A>G on the coding strand, the complement: SH3TC2 is on the minus strand). VCF-style: chr5-149028215-T-C. GRCh37 (hg19) VCF-style: chr5-148407778-T-C.
Other names: short protein forms E506G.
Identifiers: ClinVar variation 1774330 (VCV001774330.2), dbSNP rs771751251, ClinGen allele CA3499162.

ClinVar aggregate classification (germline): Uncertain significance (1 of 4 stars; one submission).

Conditions:
Inborn genetic diseases. Identifiers: MedGen C0950123, MeSH D030342.

Allele frequency attached by ClinVar (database versions not stated): gnomAD exomes below 0.00001; TOPMed below 0.00001; ExAC 0.00001; gnomAD 0.00001.
gnomAD v4.1: 6 of 1,613,900 alleles (0.00037%); highest among the groups gnomAD compares: Non-Finnish European, 0.00051%; no homozygotes.

Submission:

Ambry Genetics
Classification: Uncertain significance for Inborn genetic diseases. Last evaluated: 2021-12-16. Review status: criteria provided, single submitter. Criteria: Ambry Variant Classification Scheme 2023. Collection method: clinical testing. Allele origin: germline.
Comment: The p.E506G variant (also known as c.1517A>G), located in coding exon 11 of the SH3TC2 gene, results from an A to G substitution at nucleotide position 1517. The glutamic acid at codon 506 is replaced by glycine, an amino acid with similar properties. This amino acid position is conserved. In addition, this alteration is predicted to be deleterious by in silico analysis. Since supporting evidence is limited at this time, the clinical significance of this alteration remains unclear.